The following is an entry in ClinVar:

ClinVar aggregate classification (germline): Uncertain significance. Review status: criteria provided, multiple submitters, no conflicts (2 of 4 stars). 3 submissions from 3 submitters: Uncertain significance (3). Last evaluated 2025-11-17.

Conditions:
Hypertrophic cardiomyopathy 14. Identifiers: MedGen C2750467, MONDO:0013197, OMIM 613251.
Cardiomyopathy (CMYO). Also called: Cardiomyopathies. Identifiers: Orphanet 167848, MedGen C0878544, MONDO:0004994, HP:0001638. Inheritance: Various modes of inheritance.
Cardiovascular phenotype. Identifiers: MedGen CN230736.

Allele frequency attached by ClinVar (database versions not stated): TOPMed below 0.00001; gnomAD 0.00001; gnomAD exomes 0.00003 and 0.00005; ExAC 0.00006.
gnomAD v4.1: 76 of 1,614,096 alleles (0.0047%); highest among the groups gnomAD compares: Non-Finnish European, 0.0057%; no homozygotes.

Submissions (3):

Labcorp Genetics (formerly Invitae), Labcorp
Classification: Uncertain significance for Hypertrophic cardiomyopathy 14. Last evaluated: 2025-11-17. Review status: criteria provided, single submitter. Criteria: Invitae Variant Classification Sherloc (09022015). Collection method: clinical testing. Allele origin: germline.
Comment: This sequence change replaces arginine, which is basic and polar, with histidine, which is basic and polar, at codon 943 of the MYH6 protein (p.Arg943His). This variant is present in population databases (rs766640013, gnomAD 0.004%). This variant has not been reported in the literature in individuals affected with MYH6-related conditions. ClinVar contains an entry for this variant (Variation ID: 626806). Invitae Evidence Modeling of protein sequence and biophysical properties (such as structural, functional, and spatial information, amino acid conservation, physicochemical variation, residue mobility, and thermodynamic stability) indicates that this missense variant is expected to disrupt MYH6 protein function with a positive predictive value of 80%. In summary, the available evidence is currently insufficient to determine the role of this variant in disease. Therefore, it has been classified as a Variant of Uncertain Significance.

Ambry Genetics
Classification: Uncertain significance for Cardiovascular phenotype. Last evaluated: 2025-10-29. Review status: criteria provided, single submitter. Criteria: Ambry Variant Classification Scheme 2023. Collection method: clinical testing. Allele origin: germline.

CHEO Genetics Diagnostic Laboratory, Children's Hospital of Eastern Ontario
Classification: Uncertain significance for Cardiomyopathy. Last evaluated: 2017-08-24. Review status: criteria provided, single submitter. Criteria: ACMG Guidelines, 2015. Collection method: clinical testing. Allele origin: germline. Study: Canadian Open Genetics Repository.

NM_002471.4(MYH6):c.2828G>A (p.Arg943His)

Gene: MYH6 (myosin heavy chain 6; minus strand). Cytogenetic location: 14q11.2.
Variant type: single nucleotide variant.
Coding change: c.2828G>A on transcript NM_002471.4 (MANE Select); coding-DNA position 2828, G replaced by A.
Protein change: p.Arg943His; replaces arginine 943 with histidine.
Molecular consequence: missense variant.
Genome position (GRCh38, 1-based): chr14:23,393,766, C>T on the plus strand (G>A on the coding strand, the complement: MYH6 is on the minus strand). VCF-style: chr14-23393766-C-T. GRCh37 (hg19) VCF-style: chr14-23862975-C-T.
Other names: short protein forms R943H.
Identifiers: ClinVar variation 626806 (VCV000626806.16), dbSNP rs766640013, ClinGen allele CA7115367.